The following is an entry in ClinVar:

ClinVar aggregate classification (germline): Uncertain significance. Review status: criteria provided, multiple submitters, no conflicts (2 of 4 stars). 2 submissions from 2 submitters: Uncertain significance (2). Last evaluated 2022-04-08.

Conditions:
Mitochondrial trifunctional protein deficiency. Identifiers: Orphanet 746, MedGen C1969443, MONDO:0012172.
Long chain 3-hydroxyacyl-CoA dehydrogenase deficiency. Also called: LCHAD Deficiency; Deficiency of long-chain 3-hydroxyacyl-coenzyme A dehydrogenase. Identifiers: Orphanet 5, MedGen C3711645, MONDO:0012173, OMIM 609016.

gnomAD v4.1: 2 of 1,561,892 alleles (0.00013%); highest among the groups gnomAD compares: Non-Finnish European, 0.000088%; no homozygotes.

Submissions (2):

Blueprint Genetics
Classification: Uncertain significance. Last evaluated: 2022-04-08. Review status: criteria provided, single submitter. Criteria: ACMG Guidelines, 2015. Collection method: clinical testing. Allele origin: germline.

Labcorp Genetics (formerly Invitae), Labcorp
Classification: Uncertain significance for Mitochondrial trifunctional protein deficiency; Long chain 3-hydroxyacyl-CoA dehydrogenase deficiency. Last evaluated: 2019-09-16. Review status: criteria provided, single submitter. Criteria: Invitae Variant Classification Sherloc (09022015). Collection method: clinical testing. Allele origin: germline.
Comment: This sequence change replaces alanine with proline at codon 478 of the HADHA protein (p.Ala478Pro). The alanine residue is highly conserved and there is a small physicochemical difference between alanine and proline. This variant is not present in population databases (ExAC no frequency). This variant has been observed in an individual affected with HADHA-related conditions (PMID: 21549624). Algorithms developed to predict the effect of missense changes on protein structure and function are either unavailable or do not agree on the potential impact of this missense change (SIFT: "Tolerated"; PolyPhen-2: "Probably Damaging"; Align-GVGD: "Class C0"). This variant disrupts the p.Ala478 amino acid residue in HADHA. Other variant(s) that disrupt this residue have been observed in individuals with HADHA-related conditions (PMID: 21549624), which suggests that this may be a clinically significant amino acid residue. In summary, the available evidence is currently insufficient to determine the role of this variant in disease. Therefore, it has been classified as a Variant of Uncertain Significance.

Literature cited by the submitters: PubMed 21549624 (cited by Labcorp Genetics (formerly Invitae), Labcorp).

NM_000182.5(HADHA):c.1432G>C (p.Ala478Pro)

Genes: GAREM2 (GRB2 associated regulator of MAPK1 subtype 2; plus strand), HADHA (hydroxyacyl-CoA dehydrogenase trifunctional multienzyme complex subunit alpha; minus strand). Cytogenetic location: 2p23.3.
Variant type: single nucleotide variant.
Coding change: c.1432G>C on transcript NM_000182.5 (MANE Select); coding-DNA position 1432, G replaced by C.
Protein change: p.Ala478Pro; replaces alanine 478 with proline.
Molecular consequence: missense variant.
Genome position (GRCh38, 1-based): chr2:26,197,738, C>G on the plus strand (G>C on the coding strand, the complement: HADHA is on the minus strand). VCF-style: chr2-26197738-C-G. GRCh37 (hg19) VCF-style: chr2-26420607-C-G.
Other names: short protein forms A478P.
Identifiers: ClinVar variation 956347 (VCV000956347.2), dbSNP rs1669713015, ClinGen allele CA346123783.